The following is an entry in ClinVar:

ClinVar aggregate classification (germline): Uncertain significance. Review status: criteria provided, multiple submitters, no conflicts (2 of 4 stars). 2 submissions from 2 submitters: Uncertain significance (2). Last evaluated 2025-11-11.

Conditions:
Thrombocytopenia 5 (THC5). Also called: THROMBOCYTOPENIA 5 WITH INCREASED SUSCEPTIBILITY TO MALIGNANCY; THROMBOCYTOPENIA, AUTOSOMAL DOMINANT, 5. Identifiers: MedGen C4015537, MONDO:0014536, OMIM 616216.
Inborn genetic diseases. Identifiers: MedGen C0950123, MeSH D030342.

Submissions (2):

Ambry Genetics
Classification: Uncertain significance for Inborn genetic diseases. Last evaluated: 2025-11-11. Review status: criteria provided, single submitter. Criteria: Ambry Variant Classification Scheme 2023. Collection method: clinical testing. Allele origin: germline.
Comment: The p.Y233C variant (also known as c.698A>G), located in coding exon 5 of the ETV6 gene, results from an A to G substitution at nucleotide position 698. The tyrosine at codon 233 is replaced by cysteine, an amino acid with highly dissimilar properties. This amino acid position is conserved. In addition, the in silico prediction for this alteration is inconclusive. Based on the available evidence, the clinical significance of this variant remains unclear.

Revvity Omics, Revvity
Classification: Uncertain significance for Thrombocytopenia 5. Last evaluated: 2024-02-13. Review status: criteria provided, single submitter. Criteria: ACMG Guidelines, 2015. Collection method: clinical testing. Allele origin: germline.

NM_001987.5(ETV6):c.698A>G (p.Tyr233Cys)

Gene: ETV6 (ETS variant transcription factor 6; plus strand). Cytogenetic location: 12p13.2.
Variant type: single nucleotide variant.
Coding change: c.698A>G on transcript NM_001987.5 (MANE Select); coding-DNA position 698, A replaced by G.
Protein change: p.Tyr233Cys; replaces tyrosine 233 with cysteine.
Molecular consequence: missense variant.
Genome position (GRCh38, 1-based): chr12:11,869,658, A>G. VCF-style: chr12-11869658-A-G. GRCh37 (hg19) VCF-style: chr12-12022592-A-G.
Other names: c.695A>G, p.Tyr232Cys (NM_001413913.1); c.671A>G, p.Tyr224Cys (NM_001413914.1); c.434A>G, p.Tyr145Cys (NM_001413915.1); c.698A>G, p.Tyr233Cys (NM_001413916.1, NM_001413917.1); short protein forms Y145C, Y224C, Y232C, Y233C.
Identifiers: ClinVar variation 4078620 (VCV004078620.2).